The following is an entry in ClinVar:

ClinVar aggregate classification (germline): Uncertain significance. Review status: criteria provided, multiple submitters, no conflicts (2 of 4 stars). 5 submissions from 5 submitters: Uncertain significance (5). Last evaluated 2025-12-08.

Conditions:
Familial pancreatic carcinoma. Identifiers: Orphanet 1333, MedGen C2931038, MONDO:0015278, OMIM 260350.
Hereditary cancer-predisposing syndrome. Also called: Hereditary neoplastic syndrome; Neoplastic Syndromes, Hereditary; Tumor predisposition; Hereditary Cancer Syndrome. Identifiers: Orphanet 140162, MedGen C0027672, MeSH D009386, MONDO:0015356.
Familial cancer of breast. Also called: BREAST CANCER, FAMILIAL; Hereditary breast cancer; hereditary breast carcinoma. Identifiers: Orphanet 227535, MedGen C0346153, MONDO:0016419, OMIM 114480. Disease mechanism: loss of function.

Allele frequency attached by ClinVar (database versions not stated): gnomAD exomes below 0.00001.
gnomAD v4.1: 2 of 1,602,316 alleles (0.00012%); highest among the groups gnomAD compares: African/African-American, 0.0027%; no homozygotes.

Submissions (5):

Labcorp Genetics (formerly Invitae), Labcorp
Classification: Uncertain significance for Familial cancer of breast. Last evaluated: 2025-12-08. Review status: criteria provided, single submitter. Criteria: Invitae Variant Classification Sherloc (09022015). Collection method: clinical testing. Allele origin: germline.
Comment: This sequence change replaces glycine, which is neutral and non-polar, with glutamic acid, which is acidic and polar, at codon 937 of the PALB2 protein (p.Gly937Glu). This variant is present in population databases (rs786202641, gnomAD 0.007%). This variant has not been reported in the literature in individuals affected with PALB2-related conditions. ClinVar contains an entry for this variant (Variation ID: 186029). Invitae Evidence Modeling of protein sequence and biophysical properties (such as structural, functional, and spatial information, amino acid conservation, physicochemical variation, residue mobility, and thermodynamic stability) indicates that this missense variant is expected to disrupt PALB2 protein function with a positive predictive value of 80%. Experimental studies have shown that this missense change does not substantially affect PALB2 function (PMID: 31636395). In summary, the available evidence is currently insufficient to determine the role of this variant in disease. Therefore, it has been classified as a Variant of Uncertain Significance.

Color Diagnostics, LLC DBA Color Health
Classification: Uncertain significance for Hereditary cancer-predisposing syndrome. Last evaluated: 2025-09-30. Review status: criteria provided, single submitter. Criteria: ACMG Guidelines, 2015. Collection method: clinical testing. Allele origin: germline.
Comment: This missense variant replaces glycine with glutamic acid at codon 937 of the PALB2 protein. A functional study reported that this variant does not impact PALB2 in a homology-directed DNA repair assay (PMID: 31636395). This variant has been detected in a breast cancer case-control meta-analysis in 0/60466 cases and 1/53461 unaffected individuals (PMID: 33471991Leiden Open Variation Database DB-ID PALB2_010690). This variant has been identified in 2/1450062 chromosomes in the general population by the Genome Aggregation Database (gnomAD). The available evidence is insufficient to determine the role of this variant in disease conclusively. Therefore, this variant is classified as a Variant of Uncertain Significance.

Ambry Genetics
Classification: Uncertain significance for Hereditary cancer-predisposing syndrome. Last evaluated: 2024-02-02. Review status: criteria provided, single submitter. Criteria: Ambry Variant Classification Scheme 2023. Collection method: clinical testing. Allele origin: germline.
Comment: The p.G937E variant (also known as c.2810G>A), located in coding exon 8 of the PALB2 gene, results from a G to A substitution at nucleotide position 2810. The glycine at codon 937 is replaced by glutamic acid, an amino acid with similar properties. This alteration was found to be functionally inconclusive in a homology-directed DNA repair (HDR) assay (Wiltshire T et al. Genet Med, 2020 03;22:622-632). This amino acid position is highly conserved in available vertebrate species. In addition, the in silico prediction for this alteration is inconclusive. Since supporting evidence is limited at this time, the clinical significance of this alteration remains unclear.

Department of Pathology and Laboratory Medicine, Sinai Health System
Classification: Uncertain significance for Familial pancreatic carcinoma. Last evaluated: 2024-01-15. Review status: criteria provided, single submitter. Criteria: ACMG Guidelines, 2015. Collection method: clinical testing. Allele origin: germline. Affected: yes.

Baylor Genetics
Classification: Uncertain significance for Familial cancer of breast. Last evaluated: 2023-10-22. Review status: criteria provided, single submitter. Criteria: ACMG Guidelines, 2015. Collection method: clinical testing. Allele origin: unknown.

Literature cited by the submitters: PubMed 31636395 (cited by 4 submitters); PubMed 33471991 (cited by Color Diagnostics, LLC DBA Color Health).

NM_024675.4(PALB2):c.2810G>A (p.Gly937Glu)

Gene: PALB2 (partner and localizer of BRCA2; minus strand). Cytogenetic location: 16p12.2.
Variant type: single nucleotide variant.
Coding change: c.2810G>A on transcript NM_024675.4 (MANE Select); coding-DNA position 2810, G replaced by A.
Protein change: p.Gly937Glu; replaces glycine 937 with glutamic acid.
Molecular consequence: missense variant.
Genome position (GRCh38, 1-based): chr16:23,624,033, C>T on the plus strand (G>A on the coding strand, the complement: PALB2 is on the minus strand). VCF-style: chr16-23624033-C-T. GRCh37 (hg19) VCF-style: chr16-23635354-C-T.
Other names: short protein forms G937E.
Identifiers: ClinVar variation 186029 (VCV000186029.17), dbSNP rs786202641, ClinGen allele CA193659.